The following is an entry in ClinVar:

NM_000135.4(FANCA):c.4057T>C (p.Phe1353Leu)

Genes: ZNF276 (zinc finger protein 276; plus strand), FANCA (FA complementation group A; minus strand). Cytogenetic location: 16q24.3.
Variant type: single nucleotide variant.
Coding change: c.4057T>C on transcript NM_000135.4 (MANE Select); coding-DNA position 4057, T replaced by C.
Protein change: p.Phe1353Leu; replaces phenylalanine 1353 with leucine.
Molecular consequence: missense variant. On other transcripts: 3 prime UTR variant (2), non-coding transcript variant (4).
Genome position (GRCh38, 1-based): chr16:89,739,243, A>G on the plus strand (T>C on the coding strand, the complement: FANCA is on the minus strand). VCF-style: chr16-89739243-A-G. GRCh37 (hg19) VCF-style: chr16-89805651-A-G.
Other names: c.4057T>C, p.Phe1353Leu (NM_001286167.3); c.*997A>G (NM_001113525.2, NM_152287.4); short protein forms F1353L.
Identifiers: ClinVar variation 4843012 (VCV004843012.1).

ClinVar aggregate classification (germline): Uncertain significance (1 of 4 stars; one submission).

Conditions:
Inborn genetic diseases. Identifiers: MedGen C0950123, MeSH D030342.

Submission:

Ambry Genetics
Classification: Uncertain significance for Inborn genetic diseases. Last evaluated: 2025-12-20. Review status: criteria provided, single submitter. Criteria: Ambry Variant Classification Scheme 2023. Collection method: clinical testing. Allele origin: germline.
Comment: The p.F1353L variant (also known as c.4057T>C), located in coding exon 41 of the FANCA gene, results from a T to C substitution at nucleotide position 4057. The phenylalanine at codon 1353 is replaced by leucine, an amino acid with highly similar properties. This amino acid position is conserved. In addition, this alteration is predicted to be deleterious by in silico analysis. Based on the available evidence, the clinical significance of this variant remains unclear.